The following is an entry in ClinVar:

NM_015102.5(NPHP4):c.254C>T (p.Pro85Leu)

Gene: NPHP4 (nephrocystin 4; minus strand). Cytogenetic location: 1p36.31.
Variant type: single nucleotide variant.
Coding change: c.254C>T on transcript NM_015102.5 (MANE Select); coding-DNA position 254, C replaced by T.
Protein change: p.Pro85Leu; replaces proline 85 with leucine.
Molecular consequence: missense variant. On other transcripts: 5 prime UTR variant (1), non-coding transcript variant (1), intron variant (1).
Genome position (GRCh38, 1-based): chr1:5,978,295, G>A on the plus strand (C>T on the coding strand, the complement: NPHP4 is on the minus strand). VCF-style: chr1-5978295-G-A. GRCh37 (hg19) VCF-style: chr1-6038355-G-A.
Other names: c.254C>T (NM_015102.3, NM_015102.4); c.-976C>T (NM_001291593.2); c.-1087-9036C>T (NM_001291594.2); short protein forms P85L.
Identifiers: ClinVar variation 501720 (VCV000501720.12), dbSNP rs200272048, ClinGen allele CA554896.

ClinVar aggregate classification (germline): Uncertain significance. Review status: criteria provided, multiple submitters, no conflicts (2 of 4 stars). 5 submissions from 5 submitters: Uncertain significance (4). 1 of the submissions does not count toward it. Last evaluated 2024-01-18.

Conditions:
Senior-Loken syndrome 4 (SLSN4). Identifiers: Orphanet 3156, MedGen C1846979, MONDO:0011756, OMIM 606996.
Nephronophthisis 4 (NPHP4). Also called: NEPHRONOPHTHISIS 4, JUVENILE. Identifiers: Orphanet 655, MedGen C1847013, MONDO:0011752, OMIM 606966.
Inborn genetic diseases. Identifiers: MedGen C0950123, MeSH D030342.
NPHP4-related disorder. Also called: NPHP4-related condition; NPHP4-related disorders. Identifiers: MedGen CN239384.
Nephronophthisis. Also called: Juvenile Nephronophthisis. Identifiers: Orphanet 655, MedGen C0687120, MONDO:0019005, HP:0000090.

Allele frequency attached by ClinVar (database versions not stated): gnomAD 0.00006 and 0.00007; TOPMed 0.00006; gnomAD exomes 0.00008; ExAC 0.00011; 1000 Genomes Project 30x 0.00016; 1000 Genomes Project 0.00020.
gnomAD v4.1: 84 of 1,608,170 alleles (0.0052%); highest among the groups gnomAD compares: Admixed American, 0.041%; no homozygotes.

Submissions (5):

Labcorp Genetics (formerly Invitae), Labcorp
Classification: Uncertain significance for Nephronophthisis. Last evaluated: 2024-01-18. Review status: criteria provided, single submitter. Criteria: Invitae Variant Classification Sherloc (09022015). Collection method: clinical testing. Allele origin: germline.
Comment: This sequence change replaces proline, which is neutral and non-polar, with leucine, which is neutral and non-polar, at codon 85 of the NPHP4 protein (p.Pro85Leu). This variant is present in population databases (rs200272048, gnomAD 0.03%). This variant has not been reported in the literature in individuals affected with NPHP4-related conditions. ClinVar contains an entry for this variant (Variation ID: 501720). An algorithm developed to predict the effect of missense changes on protein structure and function (PolyPhen-2) suggests that this variant¬†is likely to be tolerated. In summary, the available evidence is currently insufficient to determine the role of this variant in disease. Therefore, it has been classified as a Variant of Uncertain Significance.

Ambry Genetics
Classification: Uncertain significance for Inborn genetic diseases. Last evaluated: 2021-06-22. Review status: criteria provided, single submitter. Criteria: Ambry Variant Classification Scheme 2023. Collection method: clinical testing. Allele origin: germline.

Fulgent Genetics
Classification: Uncertain significance for Nephronophthisis 4; Senior-Loken syndrome 4. Last evaluated: 2018-10-31. Review status: criteria provided, single submitter. Criteria: ACMG Guidelines, 2015. Collection method: clinical testing. Allele origin: unknown.

Eurofins Ntd Llc (ga)
Classification: Uncertain significance. Last evaluated: 2018-06-12. Review status: criteria provided, single submitter. Criteria: EGL ClinVar v180209 classification definitions. Collection method: clinical testing. Allele origin: germline. Observed: 3 variant alleles, 3 heterozygotes.

PreventionGenetics, part of Exact Sciences
Classification: Uncertain significance for NPHP4-related condition. Last evaluated: 2024-08-12. Review status: no assertion criteria provided. Collection method: clinical testing. Allele origin: germline. Not counted in ClinVar's aggregate classification.
Comment: The NPHP4 c.254C>T variant is predicted to result in the amino acid substitution p.Pro85Leu. To our knowledge, this variant has not been reported in the literature. This variant is reported in 0.029% of alleles in individuals of Latino descent in gnomAD. At this time, the clinical significance of this variant is uncertain due to the absence of conclusive functional and genetic evidence.